The following is an entry in ClinVar:

NM_001242896.3(DEPDC5):c.3640T>G (p.Leu1214Val)

Gene: DEPDC5 (DEP domain containing 5, GATOR1 subcomplex subunit; plus strand). Cytogenetic location: 22q12.3.
Variant type: single nucleotide variant.
Coding change: c.3640T>G on transcript NM_001242896.3 (MANE Select); coding-DNA position 3640, T replaced by G.
Protein change: p.Leu1214Val; replaces leucine 1214 with valine.
Molecular consequence: missense variant. On other transcripts: non-coding transcript variant (4).
Genome position (GRCh38, 1-based): chr22:31,874,349, T>G. VCF-style: chr22-31874349-T-G. GRCh37 (hg19) VCF-style: chr22-32270335-T-G.
Other names: c.3613T>G, p.Leu1205Val (NM_001136029.4); c.3340T>G, p.Leu1114Val (NM_001242897.2); c.3574T>G, p.Leu1192Val (NM_001363852.2, NM_001364320.2); c.3406T>G, p.Leu1136Val (NM_001363854.2, NM_001364319.2); c.3640T>G, p.Leu1214Val (NM_001364318.2); c.3556T>G, p.Leu1186Val (NM_001369901.1, NM_001369902.1); c.3547T>G, p.Leu1183Val (NM_001369903.1, NM_014662.6); short protein forms L1192V, L1186V, L1114V, L1136V, L1183V, L1205V, L1214V.
Identifiers: ClinVar variation 2893130 (VCV002893130.4), dbSNP rs766583732, ClinGen allele CA10197049.

ClinVar aggregate classification (germline): Uncertain significance. Review status: criteria provided, multiple submitters, no conflicts (2 of 4 stars). 2 submissions from 2 submitters: Uncertain significance (2). Last evaluated 2024-10-17.

Conditions:
Familial focal epilepsy with variable foci (FPEVF). Identifiers: Orphanet 98820, MedGen C1858477, MONDO:0020310.

Allele frequency attached by ClinVar (database versions not stated): ExAC 0.00002.
gnomAD v4.1: 4 of 1,611,966 alleles (0.00025%); highest among the groups gnomAD compares: Non-Finnish European, 0.00034%; no homozygotes.

Submissions (2):

Blueprint Genetics
Classification: Uncertain significance. Last evaluated: 2024-10-17. Review status: criteria provided, single submitter. Criteria: ACMG Guidelines, 2015. Collection method: clinical testing. Allele origin: germline.

Labcorp Genetics (formerly Invitae), Labcorp
Classification: Uncertain significance for Familial focal epilepsy with variable foci. Last evaluated: 2022-11-19. Review status: criteria provided, single submitter. Criteria: Invitae Variant Classification Sherloc (09022015). Collection method: clinical testing. Allele origin: germline.
Comment: Algorithms developed to predict the effect of missense changes on protein structure and function are either unavailable or do not agree on the potential impact of this missense change (SIFT: "Tolerated"; PolyPhen-2: "Not Available"; Align-GVGD: "Class C0"). This variant has not been reported in the literature in individuals affected with DEPDC5-related conditions. This variant is present in population databases (rs766583732, gnomAD 0.002%). This sequence change replaces leucine, which is neutral and non-polar, with valine, which is neutral and non-polar, at codon 1214 of the DEPDC5 protein (p.Leu1214Val). In summary, the available evidence is currently insufficient to determine the role of this variant in disease. Therefore, it has been classified as a Variant of Uncertain Significance.